The following is an entry in ClinVar:

NM_015354.3(NUP188):c.4638C>G (p.Ala1546=)

Gene: NUP188 (nucleoporin 188; plus strand). Cytogenetic location: 9q34.11.
Variant type: single nucleotide variant.
Coding change: c.4638C>G on transcript NM_015354.3 (MANE Select); coding-DNA position 4638, C replaced by G.
Protein change: p.Ala1546=; no amino-acid change (alanine 1546 retained).
Molecular consequence: synonymous variant.
Genome position (GRCh38, 1-based): chr9:129,005,431, C>G. VCF-style: chr9-129005431-C-G. GRCh37 (hg19) VCF-style: chr9-131767710-C-G.
Identifiers: ClinVar variation 2659567 (VCV002659567.24), dbSNP rs2492161096, ClinGen allele CA467490557.

ClinVar aggregate classification (germline): Likely benign (1 of 4 stars; one submission).

gnomAD v4.1: 1 of 1,609,416 alleles (0.000062%); highest among the groups gnomAD compares: Admixed American, 0.0017%; no homozygotes.

Submission:

CeGaT Center for Human Genetics Tuebingen
Classification: Likely benign. Last evaluated: 2022-08-01. Review status: criteria provided, single submitter. Criteria: CeGaT Center For Human Genetics Tuebingen Variant Classification Criteria Version 2. Collection method: clinical testing. Allele origin: germline. Affected: yes. Observed: 1 variant allele.
Comment: NUP188: PM2:Supporting, BP4, BP7